The following is an entry in ClinVar:

NM_001256627.2(BRSK2):c.1545-9A>G

Gene: BRSK2 (BR serine/threonine kinase 2; plus strand). Cytogenetic location: 11p15.5.
Variant type: single nucleotide variant.
Coding change: c.1545-9A>G on transcript NM_001256627.2 (MANE Select); 9 bases into the intron before coding-DNA position 1545, A replaced by G.
Molecular consequence: intron variant.
Genome position (GRCh38, 1-based): chr11:1,454,476, A>G. VCF-style: chr11-1454476-A-G. GRCh37 (hg19) VCF-style: chr11-1475706-A-G.
Other names: c.1545-9A>G (NM_001256629.2, NM_003957.4); c.1365-9A>G (NM_001282218.2); c.1683-9A>G (NM_001256630.1).
Identifiers: ClinVar variation 3056136 (VCV003056136.2), dbSNP rs55744154, ClinGen allele CA5811136.

ClinVar aggregate classification (germline): Benign (0 of 4 stars; one submission).

Conditions:
BRSK2-related disorder. Also called: BRSK2-related condition; BRSK2-Related Disorders.

Allele frequency attached by ClinVar (database versions not stated): 1000 Genomes Project 0.10144; 1000 Genomes Project 30x 0.10166; TOPMed 0.12094; ESP Exome Variant Server 0.12429; ExAC 0.12842; gnomAD exomes 0.14435.
gnomAD v4.1: 229,196 of 1,612,472 alleles (14%); highest among the groups gnomAD compares: Middle Eastern, 17%; 17,324 homozygotes.

Submission:

PreventionGenetics, part of Exact Sciences
Classification: Benign for BRSK2-related condition. Last evaluated: 2019-10-21. Review status: no assertion criteria provided. Collection method: clinical testing. Allele origin: germline.
Comment: This variant is classified as benign based on ACMG/AMP sequence variant interpretation guidelines (Richards et al. 2015 PMID: 25741868, with internal and published modifications).